The following is an entry in ClinVar:

NM_002292.4(LAMB2):c.4690C>T (p.Arg1564Trp)

Gene: LAMB2 (laminin subunit beta 2; minus strand). Cytogenetic location: 3p21.31.
Variant type: single nucleotide variant.
Coding change: c.4690C>T on transcript NM_002292.4 (MANE Select); coding-DNA position 4690, C replaced by T.
Protein change: p.Arg1564Trp; replaces arginine 1564 with tryptophan.
Molecular consequence: missense variant.
Genome position (GRCh38, 1-based): chr3:49,122,254, G>A on the plus strand (C>T on the coding strand, the complement: LAMB2 is on the minus strand). VCF-style: chr3-49122254-G-A. GRCh37 (hg19) VCF-style: chr3-49159687-G-A.
Other names: short protein forms R1564W.
Identifiers: ClinVar variation 657455 (VCV000657455.4), dbSNP rs780366815, ClinGen allele CA2393730.

ClinVar aggregate classification (germline): Uncertain significance (1 of 4 stars; one submission).

Conditions:
Pierson syndrome. Also called: MICROCORIA-CONGENITAL NEPHROTIC SYNDROME. Identifiers: Orphanet 2670, MedGen C1836876, MONDO:0012184, OMIM 609049.
LAMB2-related infantile-onset nephrotic syndrome. Also called: NEPHROTIC SYNDROME, TYPE 5, WITHOUT OCULAR ABNORMALITIES; NEPHROTIC SYNDROME, TYPE 5, WITH OCULAR ABNORMALITIES; Nephrotic Syndrome, type 5. Identifiers: Orphanet 306507, MedGen C3280113, MONDO:0013621, OMIM 614199.

Allele frequency attached by ClinVar (database versions not stated): gnomAD exomes 0.00001 and 0.00002; TOPMed 0.00002; ExAC 0.00003.
gnomAD v4.1: 18 of 1,613,484 alleles (0.0011%); highest among the groups gnomAD compares: South Asian, 0.0033%; no homozygotes.

Submission:

Labcorp Genetics (formerly Invitae), Labcorp
Classification: Uncertain significance for LAMB2-related infantile-onset nephrotic syndrome; Pierson syndrome. Last evaluated: 2022-11-29. Review status: criteria provided, single submitter. Criteria: Invitae Variant Classification Sherloc (09022015). Collection method: clinical testing. Allele origin: germline.
Comment: In summary, the available evidence is currently insufficient to determine the role of this variant in disease. Therefore, it has been classified as a Variant of Uncertain Significance. Algorithms developed to predict the effect of missense changes on protein structure and function (SIFT, PolyPhen-2, Align-GVGD) all suggest that this variant is likely to be disruptive. ClinVar contains an entry for this variant (Variation ID: 657455). This missense change has been observed in individual(s) with IgA nephropathy (PMID: 26248470). This variant is present in population databases (rs780366815, gnomAD 0.007%). This sequence change replaces arginine, which is basic and polar, with tryptophan, which is neutral and slightly polar, at codon 1564 of the LAMB2 protein (p.Arg1564Trp).

Literature cited by the submitters: PubMed 26248470.